The following is an entry in ClinVar:

NM_000553.6(WRN):c.1892T>C (p.Ile631Thr)

Gene: WRN (WRN RecQ like helicase; plus strand). Cytogenetic location: 8p12.
Variant type: single nucleotide variant.
Coding change: c.1892T>C on transcript NM_000553.6 (MANE Select); coding-DNA position 1892, T replaced by C.
Protein change: p.Ile631Thr; replaces isoleucine 631 with threonine.
Molecular consequence: missense variant.
Genome position (GRCh38, 1-based): chr8:31,091,892, T>C. VCF-style: chr8-31091892-T-C. GRCh37 (hg19) VCF-style: chr8-30949408-T-C.
Other names: short protein forms I631T.
Identifiers: ClinVar variation 458394 (VCV000458394.5), dbSNP rs1306086684, ClinGen allele CA370928536.
Genomic context (GRCh38, chr8:31,091,892, plus strand): 5'-TGTCCAACATCCCAGCTTGCTTCCTTGGATCAGCACAGTCAGAAAATGTTCTAACAGATA[T>C]TAAATTGTGAGTAATTTTTTTCCCTCAACTTTTATTTTGGATTTATGGGGGTGCATATGC-3'
Protein context (NP_000544.2, residues 621-641): SAQSENVLTD[Ile631Thr]KLGKYRIVYV

ClinVar aggregate classification (germline): Uncertain significance (1 of 4 stars; one submission).

Conditions:
Werner syndrome (WRN). Identifiers: Orphanet 902, MedGen C0043119, MONDO:0010196, OMIM 277700.

Allele frequency attached by ClinVar (database versions not stated): gnomAD 0.00001; gnomAD exomes 0.00001; TOPMed 0.00001.
gnomAD v4.1: 22 of 1,612,922 alleles (0.0014%); highest among the groups gnomAD compares: African/African-American, 0.0027%; no homozygotes.

Submission:

Labcorp Genetics (formerly Invitae), Labcorp
Classification: Uncertain significance for Werner syndrome. Last evaluated: 2025-12-26. Review status: criteria provided, single submitter. Criteria: Invitae Variant Classification Sherloc (09022015). Collection method: clinical testing. Allele origin: germline.
Comment: This sequence change replaces isoleucine, which is neutral and non-polar, with threonine, which is neutral and polar, at codon 631 of the WRN protein (p.Ile631Thr). This variant is present in population databases (no rsID available, gnomAD 0.004%). This variant has not been reported in the literature in individuals affected with WRN-related conditions. ClinVar contains an entry for this variant (Variation ID: 458394). An algorithm developed to predict the effect of missense changes on protein structure and function (PolyPhen-2) suggests that this variant is likely to be disruptive. In summary, the available evidence is currently insufficient to determine the role of this variant in disease. Therefore, it has been classified as a Variant of Uncertain Significance.